The following is an entry in ClinVar:

ClinVar aggregate classification (germline): Uncertain significance. Review status: criteria provided, single submitter (1 of 4 stars). 2 submissions from 2 submitters: Uncertain significance (1). 1 of the submissions does not count toward it. Last evaluated 2026-01-06.

Conditions:
Aortic valve disease 2 (AOVD2). Identifiers: MedGen C3542024, MONDO:0013902, OMIM 614823.
Joubert syndrome 9 (JBTS9). Identifiers: Orphanet 2318, MedGen C2676788, MONDO:0012849, OMIM 612285.

Allele frequency attached by ClinVar (database versions not stated): gnomAD 0.00001.
gnomAD v4.1: 4 of 1,604,498 alleles (0.00025%); highest among the groups gnomAD compares: Admixed American, 0.0017%; no homozygotes.

Submissions (2):

Labcorp Genetics (formerly Invitae), Labcorp
Classification: Uncertain significance for Aortic valve disease 2. Last evaluated: 2026-01-06. Review status: criteria provided, single submitter. Criteria: Invitae Variant Classification Sherloc (09022015). Collection method: clinical testing. Allele origin: germline.
Comment: This sequence change replaces arginine, which is basic and polar, with cysteine, which is neutral and slightly polar, at codon 342 of the SMAD6 protein (p.Arg342Cys). This variant is not present in population databases (gnomAD no frequency). This variant has not been reported in the literature in individuals affected with SMAD6-related conditions. ClinVar contains an entry for this variant (Variation ID: 800823). Invitae Evidence Modeling of protein sequence and biophysical properties (such as structural, functional, and spatial information, amino acid conservation, physicochemical variation, residue mobility, and thermodynamic stability) has been performed for this missense variant. However, the output from this modeling did not meet the statistical confidence thresholds required to predict the impact of this variant on SMAD6 protein function. In summary, the available evidence is currently insufficient to determine the role of this variant in disease. Therefore, it has been classified as a Variant of Uncertain Significance.

Biochemical Molecular Genetic Laboratory, King Abdulaziz Medical City
Classification: Uncertain significance for Joubert syndrome 9. Last evaluated: 2019-08-25. Review status: no assertion criteria provided. Collection method: clinical testing. Allele origin: germline. Affected: yes. Not counted in ClinVar's aggregate classification.

NM_005585.5(SMAD6):c.1024C>T (p.Arg342Cys)

Gene: SMAD6 (SMAD family member 6; plus strand). Cytogenetic location: 15q22.31.
Variant type: single nucleotide variant.
Coding change: c.1024C>T on transcript NM_005585.5 (MANE Select); coding-DNA position 1024, C replaced by T.
Protein change: p.Arg342Cys; replaces arginine 342 with cysteine.
Molecular consequence: missense variant. On other transcripts: non-coding transcript variant (1).
Genome position (GRCh38, 1-based): chr15:66,781,068, C>T. VCF-style: chr15-66781068-C-T. GRCh37 (hg19) VCF-style: chr15-67073406-C-T.
Other names: short protein forms R342C.
Identifiers: ClinVar variation 800823 (VCV000800823.2), dbSNP rs1333091798, ClinGen allele CA393201700.
Genomic context (GRCh38, chr15:66,781,068, plus strand): 5'-TCTCCGGACGCCACCAAGCCGAGCCACTGGTGCAGCGTGGCGTACTGGGAGCACCGGACG[C>T]GCGTGGGCCGCCTCTATGCGGTGTACGACCAGGCCGTCAGCATCTTCTACGACCTACCTC-3'
Protein context (NP_005576.3, residues 332-352): CSVAYWEHRT[Arg342Cys]VGRLYAVYDQ